The following is an entry in ClinVar:

NM_033380.3(COL4A5):c.1111G>T (p.Gly371Ter)

Gene: COL4A5 (collagen type IV alpha 5 chain; plus strand). Cytogenetic location: Xq22.3.
Variant type: single nucleotide variant.
Coding change: c.1111G>T on transcript NM_033380.3 (MANE Select); coding-DNA position 1111, G replaced by T.
Protein change: p.Gly371Ter; replaces glycine 371 with a stop codon.
Molecular consequence: nonsense.
Genome position (GRCh38, 1-based): chrX:108,586,693, G>T. VCF-style: chrX-108586693-G-T. GRCh37 (hg19) VCF-style: chrX-107829923-G-T.
Other names: c.1111G>T, p.Gly371Ter (NM_000495.5); short protein forms G371*.
Identifiers: ClinVar variation 447198 (VCV000447198.3), dbSNP rs878853015, ClinGen allele CA413930615.
Genomic context (GRCh38, chrX:108,586,693, plus strand): 5'-ACTGGTATAACTATAGGAGAAAAAGGAAACATTGGGTTGCCTGGGTTGCCTGGAGAAAAA[G>T]GAGAGCGAGGATTTCCTGGAATACAGGGTCCACCTGGCCTTCCTGGACCTCCAGGTAAAT-3'

ClinVar aggregate classification (germline): Pathogenic/Likely pathogenic. Review status: criteria provided, multiple submitters, no conflicts (2 of 4 stars). 3 submissions from 3 submitters: Pathogenic (2); Likely pathogenic (1). Last evaluated 2025-12-19.

Conditions:
X-linked Alport syndrome (ATS1). Also called: NEPHROPATHY AND DEAFNESS, X-LINKED; COL4A5-Related Nephropathy. Identifiers: Orphanet 63, Orphanet 88917, MedGen C4746986, MONDO:0010520, OMIM 301050.

Submissions (3):

Labcorp Genetics (formerly Invitae), Labcorp
Classification: Pathogenic. Last evaluated: 2025-12-19. Review status: criteria provided, single submitter. Criteria: Invitae Variant Classification Sherloc (09022015). Collection method: clinical testing. Allele origin: germline.
Comment: This sequence change creates a premature translational stop signal (p.Gly371*) in the COL4A5 gene. It is expected to result in an absent or disrupted protein product. Loss-of-function variants in COL4A5 are known to be pathogenic (PMID: 9195222, 10752524, 14514738, 24854265, 26809805). This variant is not present in population databases (gnomAD no frequency). This variant has not been reported in the literature in individuals affected with COL4A5-related conditions. ClinVar contains an entry for this variant (Variation ID: 447198). For these reasons, this variant has been classified as Pathogenic.

Myriad Genetics, Inc.
Classification: Pathogenic for X-linked Alport syndrome. Last evaluated: 2024-05-08. Review status: criteria provided, single submitter. Criteria: Myriad Autosomal Dominant, Autosomal Recessive and X-Linked Classification Criteria (2023). Collection method: clinical testing. Allele origin: unknown.
Comment: NM_000495.4(COL4A5):c.1111G>T(G371*) is expected to be pathogenic in the context of X-linked Alport syndrome. This variant is predicted to lead to an abnormal or absent protein product due to the creation of a premature termination codon in COL4A5, a gene where loss-of-function variants are known to be pathogenic. Please note: this variant was assessed in the context of healthy population screening.

Athena Diagnostics
Classification: Likely pathogenic. Last evaluated: 2016-11-11. Review status: criteria provided, single submitter. Criteria: Athena Diagnostics Criteria. Collection method: clinical testing. Allele origin: germline.

Literature cited by the submitters: PubMed 9195222 (cited by Labcorp Genetics (formerly Invitae), Labcorp); PubMed 10752524 (cited by Labcorp Genetics (formerly Invitae), Labcorp); PubMed 14514738 (cited by Labcorp Genetics (formerly Invitae), Labcorp); PubMed 24854265 (cited by Labcorp Genetics (formerly Invitae), Labcorp); PubMed 26809805 (cited by Labcorp Genetics (formerly Invitae), Labcorp).